The following is an entry in ClinVar:

ClinVar aggregate classification (germline): Conflicting classifications of pathogenicity. Review status: criteria provided, conflicting classifications (1 of 4 stars). 2 submissions from 2 submitters: Likely pathogenic (1); Uncertain significance (1). Last evaluated 2022-12-13.

Conditions:
Platelet-type bleeding disorder 8 (BDPLT8). Also called: BLEEDING DISORDER DUE TO P2RY12 DEFECT; Bleeding disorder due to p2rx1 defect, somatic. Identifiers: Orphanet 36355, MedGen C1853278, MONDO:0012354, OMIM 609821.

Submissions (2):

Labcorp Genetics (formerly Invitae), Labcorp
Classification: Uncertain significance. Last evaluated: 2022-12-13. Review status: criteria provided, single submitter. Criteria: Invitae Variant Classification Sherloc (09022015). Collection method: clinical testing. Allele origin: germline.
Comment: In summary, the available evidence is currently insufficient to determine the role of this variant in disease. Therefore, it has been classified as a Variant of Uncertain Significance. Experimental studies and prediction algorithms are not available or were not evaluated, and the functional significance of this variant is currently unknown. This variant has not been reported in the literature in individuals affected with P2RY12-related conditions. This variant is not present in population databases (gnomAD no frequency). This sequence change creates a premature translational stop signal (p.Leu157Alafs*2) in the P2RY12 gene. While this is not anticipated to result in nonsense mediated decay, it is expected to disrupt the last 186 amino acid(s) of the P2RY12 protein.

ISTH-SSC Genomics in Thrombosis and Hemostasis, KU Leuven, Center for Molecular and Vascular Biology
Classification: Likely pathogenic for Platelet-type bleeding disorder 8. Review status: criteria provided, single submitter. Criteria: ACMG Guidelines, 2015. Collection method: clinical testing. Allele origin: germline. Affected: yes. Observed: 1 compound heterozygote.
Comment: Submitted to the GoldVariant database by Kathleen Freson, Center for Molecular and Vascular Biology

NM_022788.5(P2RY12):c.469_470del (p.Leu157fs)

Genes: MED12L (mediator complex subunit 12L; plus strand), P2RY12 (purinergic receptor P2Y12; minus strand). Cytogenetic location: 3q25.1.
Variant type: Deletion.
Coding change: c.469_470del on transcript NM_022788.5 (MANE Select); coding-DNA positions 469 to 470, 2 bases deleted (TT; older notation c.469_470delTT).
Protein change: p.Leu157fs; shifts the reading frame from leucine 157.
Molecular consequence: frameshift variant. On other transcripts: intron variant (2).
Genome position (GRCh38, 1-based): chr3:151,338,376-151,338,377, AA deleted on the plus strand (TT on the coding strand, the reverse complement: P2RY12 is on the minus strand); deleting any 2 consecutive bases within chr3:151,338,376-151,338,378 gives the same sequence; the c. name uses the placement nearest the transcript's 3' end. VCF-style (leftmost placement, unchanged base first): chr3-151338375-CAA-C. GRCh37 (hg19) VCF-style: chr3-151056163-CAA-C.
Other names: c.469_470delTT (NM_022788.4); c.469_470del, p.Leu157fs (NM_176876.3); c.2251-11682_2251-11681del (NM_001393769.1); c.2146-11682_2146-11681del (NM_053002.6); short protein forms L157fs.
Identifiers: ClinVar variation 2572166 (VCV002572166.4), dbSNP rs2473277388, ClinGen allele CA2580615995.